The following is an entry in ClinVar:

NM_012414.4(RAB3GAP2):c.1153C>T (p.Arg385Cys)

Gene: RAB3GAP2 (RAB3 GTPase activating non-catalytic protein subunit 2; minus strand). Cytogenetic location: 1q41.
Variant type: single nucleotide variant.
Coding change: c.1153C>T on transcript NM_012414.4 (MANE Select); coding-DNA position 1153, C replaced by T.
Protein change: p.Arg385Cys; replaces arginine 385 with cysteine.
Molecular consequence: missense variant.
Genome position (GRCh38, 1-based): chr1:220,193,357, G>A on the plus strand (C>T on the coding strand, the complement: RAB3GAP2 is on the minus strand). VCF-style: chr1-220193357-G-A. GRCh37 (hg19) VCF-style: chr1-220366699-G-A.
Other names: short protein forms R385C.
Identifiers: ClinVar variation 1330155 (VCV001330155.2), dbSNP rs755157552, ClinGen allele CA1402750.

ClinVar aggregate classification (germline): Uncertain significance. Review status: criteria provided, multiple submitters, no conflicts (2 of 4 stars). 2 submissions from 2 submitters: Uncertain significance (2). Last evaluated 2021-12-13.

Conditions:
Microcephaly. Also called: Microcephaly (disease). Identifiers: MedGen C4551563, MONDO:0001149, HP:0000252.
Developmental cataract. Also called: Bilateral cataracts; Congenital cataract; Congenital cataracts. Identifiers: MedGen C0009691, HP:0000519.
Microphthalmia. Also called: Microphthalmos. Identifiers: MedGen C0026010, MONDO:0021129, HP:0000568.
Persistent pupillary membrane. Identifiers: MedGen C0344541, HP:0009917.
Warburg micro syndrome 2 (WARBM2). Also called: MICRO SYNDROME 2. Identifiers: Orphanet 2510, MedGen C3280214, MONDO:0013641, OMIM 614225.

Allele frequency attached by ClinVar (database versions not stated): ExAC 0.00001; gnomAD exomes 0.00001.
gnomAD v4.1: 9 of 1,613,816 alleles (0.00056%); highest among the groups gnomAD compares: East Asian, 0.0022%; no homozygotes.

Submissions (2):

Centre of Medical Genetics, University Hospital Muenster
Classification: Uncertain significance for Developmental cataract; Microphthalmia; Microcephaly; Persistent pupillary membrane. Last evaluated: 2021-12-13. Review status: criteria provided, single submitter. Criteria: ACMG Guidelines, 2015. Collection method: clinical testing. Allele origin: germline. Affected: yes. Observed: 1 variant allele, 1 heterozygote.
Comment: ACMG categories: PM1,PM2,PP3

Neuberg Centre For Genomic Medicine, NCGM
Classification: Uncertain significance for Warburg micro syndrome 2. Review status: criteria provided, single submitter. Criteria: ACMG Guidelines, 2015. Collection method: clinical testing. Allele origin: germline. Inheritance: Autosomal recessive inheritance. Affected: yes.
Comment: The c.1153C>T (p.Arg385Cys) missense variant in RAB3GAP2 gene has been submitted to ClinVar as a Variant of Uncertain Significance, but no details are available for independent assessment. It has not been reported in affected individuals. This variant is reported with the allele frequency (0.0007%) in the gnomAD and novel in 1000 genome database. The amino acid Arg at position 385 is changed to a Cys changing protein sequence and it might alter its composition and physico-chemical properties. The amino acid change p.Arg385Cys in RAB3GAP2 is predicted as conserved by GERP++ and PhyloP across 100 vertebrates. For these reasons, this variant has been classified as Variant of Uncertain Significance (VUS).